The following is an entry in ClinVar:

NM_004329.3(BMPR1A):c.755A>C (p.Lys252Thr)

Gene: BMPR1A (bone morphogenetic protein receptor type 1A; plus strand). Cytogenetic location: 10q23.2.
Variant type: single nucleotide variant.
Coding change: c.755A>C on transcript NM_004329.3 (MANE Select); coding-DNA position 755, A replaced by C.
Protein change: p.Lys252Thr; replaces lysine 252 with threonine.
Molecular consequence: missense variant. On other transcripts: non-coding transcript variant (3).
Genome position (GRCh38, 1-based): chr10:86,917,213, A>C. VCF-style: chr10-86917213-A-C. GRCh37 (hg19) VCF-style: chr10-88676970-A-C.
Other names: c.671A>C, p.Lys224Thr (NM_001406584.1, NM_001406585.1, NM_001406586.1 and 2 more transcripts); c.413A>C, p.Lys138Thr (NM_001406589.1); c.830A>C, p.Lys277Thr (NM_001406559.1); c.803A>C, p.Lys268Thr (NM_001406560.1); c.755A>C, p.Lys252Thr (NM_001406561.1, NM_001406562.1, NM_001406563.1 and 19 more transcripts); c.749A>C, p.Lys250Thr (NM_001406583.1); short protein forms K224T, K250T, K252T, K138T, K268T, K277T.
Identifiers: ClinVar variation 4717757 (VCV004717757.2).
Genomic context (GRCh38, chr10:86,917,213, plus strand): 5'-AACAGATTCAGATGGTCCGGCAAGTTGGTAAAGGCCGATATGGAGAAGTATGGATGGGCA[A>C]ATGGCGTGGCGAAAAAGTGGCGGTGAAAGTATTCTTTACCACTGAAGAAGCCAGCTGGTT-3'
Protein context (NP_004320.2, residues 242-262): KGRYGEVWMG[Lys252Thr]WRGEKVAVKV

ClinVar aggregate classification (germline): Uncertain significance. Review status: criteria provided, multiple submitters, no conflicts (2 of 4 stars). 2 submissions from 2 submitters: Uncertain significance (2). Last evaluated 2026-07-07.

Conditions:
Juvenile polyposis syndrome (JPS). Identifiers: Orphanet 2929, MedGen C0345893, MONDO:0017380, OMIM 174900.
Hereditary cancer-predisposing syndrome. Also called: Hereditary Cancer Syndrome; Hereditary neoplastic syndrome; Neoplastic Syndromes, Hereditary; Tumor predisposition. Identifiers: Orphanet 140162, MedGen C0027672, MeSH D009386, MONDO:0015356.

Submissions (2):

Ambry Genetics
Classification: Uncertain significance for Hereditary cancer-predisposing syndrome. Last evaluated: 2026-07-07. Review status: criteria provided, single submitter. Criteria: Ambry Variant Classification Scheme 2023. Collection method: clinical testing. Allele origin: germline.
Comment: The p.K252T variant (also known as c.755A>C), located in coding exon 7 of the BMPR1A gene, results from an A to C substitution at nucleotide position 755. The lysine at codon 252 is replaced by threonine, an amino acid with similar properties. This amino acid position is conserved. In addition, the in silico prediction for this alteration is inconclusive. Based on the available evidence, the clinical significance of this variant remains unclear.

Labcorp Genetics (formerly Invitae), Labcorp
Classification: Uncertain significance for Juvenile polyposis syndrome. Last evaluated: 2025-11-05. Review status: criteria provided, single submitter. Criteria: Invitae Variant Classification Sherloc (09022015). Collection method: clinical testing. Allele origin: germline.
Comment: This sequence change replaces lysine, which is basic and polar, with threonine, which is neutral and polar, at codon 252 of the BMPR1A protein (p.Lys252Thr). This variant is not present in population databases (gnomAD no frequency). This variant has not been reported in the literature in individuals affected with BMPR1A-related conditions. Invitae Evidence Modeling of protein sequence and biophysical properties (such as structural, functional, and spatial information, amino acid conservation, physicochemical variation, residue mobility, and thermodynamic stability) indicates that this missense variant is not expected to disrupt BMPR1A protein function with a negative predictive value of 80%. In summary, the available evidence is currently insufficient to determine the role of this variant in disease. Therefore, it has been classified as a Variant of Uncertain Significance.